The following is an entry in ClinVar:

NM_000368.5(TSC1):c.2229A>T (p.Gln743His)

Gene: TSC1 (TSC complex subunit 1; minus strand). Cytogenetic location: 9q34.13.
Variant type: single nucleotide variant.
Coding change: c.2229A>T on transcript NM_000368.5 (MANE Select); coding-DNA position 2229, A replaced by T.
Protein change: p.Gln743His; replaces glutamine 743 with histidine.
Molecular consequence: missense variant.
Genome position (GRCh38, 1-based): chr9:132,902,767, T>A on the plus strand (A>T on the coding strand, the complement: TSC1 is on the minus strand). VCF-style: chr9-132902767-T-A. GRCh37 (hg19) VCF-style: chr9-135778154-T-A.
Other names: c.2226A>T, p.Gln742His (NM_001162426.2, NM_001406597.1, NM_001406598.1 and 4 more transcripts); c.2076A>T, p.Gln692His (NM_001162427.2, NM_001406610.1); c.1866A>T, p.Gln622His (NM_001362177.2, NM_001406614.1, NM_001406615.1 and 5 more transcripts); c.2229A>T, p.Gln743His (NM_001406592.1, NM_001406593.1, NM_001406594.1 and 5 more transcripts); c.2214A>T, p.Gln738His (NM_001406601.1, NM_001406602.1); c.2211A>T, p.Gln737His (NM_001406603.1, NM_001406604.1); c.2073A>T, p.Gln691His (NM_001406611.1, NM_001406612.1, NM_001406613.1); c.1863A>T, p.Gln621His (NM_001406620.1, NM_001406621.1, NM_001406622.1 and 2 more transcripts); and 3 more; short protein forms Q691H, Q742H, Q743H, Q621H, Q622H, Q738H, Q392H, Q426H.
Identifiers: ClinVar variation 1788031 (VCV001788031.2), dbSNP rs2131740740, ClinGen allele CA375360040.
Genomic context (GRCh38, chr9:132,902,767, plus strand): 5'-CTGATTGTATCTAGCTTGTTCTTTCTGCAGACTAACCTTCCACATCTGGATGTCCTTCTC[T>A]TGTAACTTCAACTGATCTTTCTAGCAGAGACCAGAAATGTCATCATTTTAGCTGTCTTCC-3'
Protein context (NP_000359.1, residues 733-753): NAAMKDQLKL[Gln743His]EKDIQMWKVS

ClinVar aggregate classification (germline): Uncertain significance (1 of 4 stars; one submission).

Conditions:
Hereditary cancer-predisposing syndrome. Also called: Neoplastic Syndromes, Hereditary; Tumor predisposition; Hereditary Cancer Syndrome; Hereditary neoplastic syndrome. Identifiers: Orphanet 140162, MedGen C0027672, MeSH D009386, MONDO:0015356.

Allele frequency attached by ClinVar (database versions not stated): gnomAD exomes below 0.00001.
gnomAD v4.1: 1 of 1,613,804 alleles (0.000062%); highest among the groups gnomAD compares: South Asian, 0.0011%; no homozygotes.

Submission:

Ambry Genetics
Classification: Uncertain significance for Hereditary cancer-predisposing syndrome. Last evaluated: 2022-01-04. Review status: criteria provided, single submitter. Criteria: Ambry Variant Classification Scheme 2023. Collection method: clinical testing. Allele origin: germline.
Comment: The p.Q743H variant (also known as c.2229A>T), located in coding exon 16 of the TSC1 gene, results from an A to T substitution at nucleotide position 2229. The glutamine at codon 743 is replaced by histidine, an amino acid with highly similar properties. This amino acid position is conserved. In addition, the in silico prediction for this alteration is inconclusive. Since supporting evidence is limited at this time, the clinical significance of this alteration remains unclear.